The following is an entry in ClinVar:

NM_014587.5(SOX8):c.594C>T (p.Gly198=)

Gene: SOX8 (SRY-box transcription factor 8; plus strand). Cytogenetic location: 16p13.3.
Variant type: single nucleotide variant.
Coding change: c.594C>T on transcript NM_014587.5 (MANE Select); coding-DNA position 594, C replaced by T.
Protein change: p.Gly198=; no amino-acid change (glycine 198 retained).
Molecular consequence: synonymous variant.
Genome position (GRCh38, 1-based): chr16:983,899, C>T. VCF-style: chr16-983899-C-T. GRCh37 (hg19) VCF-style: chr16-1033899-C-T.
Identifiers: ClinVar variation 2645870 (VCV002645870.24), dbSNP rs368399655, ClinGen allele CA7798184.
Genomic context (GRCh38, chr16:983,899, plus strand): 5'-CGCCAAAGCCGGCCACAGCGACTCCGACTCGGGCGCGGAGCTGGGACCCCACCCTGGCGG[C>T]GGTGCCGTGTACAAGGCTGAAGCAGGGCTTGGAGATGGGCACCACCATGGCGACCACACA-3'
Protein context (NP_055402.2, residues 188-208): SGAELGPHPG[Gly198=]GAVYKAEAGL

ClinVar aggregate classification (germline): Likely benign (1 of 4 stars; one submission).

Allele frequency attached by ClinVar (database versions not stated): ESP Exome Variant Server 0.00015.
gnomAD v4.1: 239 of 1,602,720 alleles (0.015%); highest among the groups gnomAD compares: Non-Finnish European, 0.02%; no homozygotes.

Submission:

CeGaT Center for Human Genetics Tuebingen
Classification: Likely benign. Last evaluated: 2023-04-01. Review status: criteria provided, single submitter. Criteria: CeGaT Center For Human Genetics Tuebingen Variant Classification Criteria Version 2. Collection method: clinical testing. Allele origin: germline. Affected: yes. Observed: 1 variant allele.
Comment: SOX8: BP4, BP7